The following is an entry in ClinVar:

NM_130837.3(OPA1):c.768C>G (p.Ser256Arg)

Genes: OPA1 (OPA1 mitochondrial dynamin like GTPase; plus strand), OPA1-AS1 (OPA1 antisense RNA 1; minus strand). Cytogenetic location: 3q29.
Variant type: single nucleotide variant.
Coding change: c.768C>G on transcript NM_130837.3 (MANE Select); coding-DNA position 768, C replaced by G.
Protein change: p.Ser256Arg; replaces serine 256 with arginine.
Molecular consequence: missense variant. On other transcripts: intron variant (5).
Genome position (GRCh38, 1-based): chr3:193,626,181, C>G. VCF-style: chr3-193626181-C-G. GRCh37 (hg19) VCF-style: chr3-193343970-C-G.
Other names: c.234C>G, p.Ser78Arg (NM_001354663.2); c.606C>G, p.Ser202Arg (NM_130833.3); c.660C>G, p.Ser220Arg (NM_130835.3); c.714C>G, p.Ser238Arg (NM_130836.3); c.253-5431C>G (NM_001354664.2); c.679-5431C>G (NM_130834.3); c.625-5431C>G (NM_015560.3); c.571-5431C>G (NM_130832.3); and 1 more; short protein forms S238R, S256R, S220R, S202R, S78R.
Identifiers: ClinVar variation 2734610 (VCV002734610.3), dbSNP rs751010108, ClinGen allele CA2759137.
Genomic context (GRCh38, chr3:193,626,181, plus strand): 5'-ACAACAAATTCAAGAGCATGAAGAGGAAGCGCGCAGAGCCGCTGGCCAATATAGCACGAG[C>G]TATGCCCAACAGAAGCGCAAGGTGATGGATGGTTTAAGGGGGCTACCGATACATTCACAC-3'
Protein context (NP_570850.2, residues 246-266): ARRAAGQYST[Ser256Arg]YAQQKRKVSD

ClinVar aggregate classification (germline): Likely pathogenic (1 of 4 stars; one submission).

Allele frequency attached by ClinVar (database versions not stated): gnomAD exomes below 0.00001; ExAC 0.00001.
gnomAD v4.1: 2 of 1,613,900 alleles (0.00012%); highest among the groups gnomAD compares: Non-Finnish European, 0.00017%; no homozygotes.

Submission:

Labcorp Genetics (formerly Invitae), Labcorp
Classification: Likely pathogenic. Last evaluated: 2024-10-01. Review status: criteria provided, single submitter. Criteria: Invitae Variant Classification Sherloc (09022015). Collection method: clinical testing. Allele origin: germline.
Comment: The OPA1 gene has multiple clinically relevant transcripts. This variant occurs in alternate transcript NM_130837.2, and corresponds to NM_015560.2:c.625-5431C>G in the primary transcript. This sequence change replaces serine, which is neutral and polar, with arginine, which is basic and polar, at codon 256 of the OPA1 protein (p.Ser256Arg). This variant is present in population databases (rs751010108, gnomAD 0.0009%). This missense change has been observed in individuals with clinical features of optic atrophy (PMID: 20157015). It has also been observed to segregate with disease in related individuals. Studies have shown that this missense change alters OPA1 gene expression (PMID: 26561570). Algorithms developed to predict the effect of sequence changes on RNA splicing suggest that this variant may create or strengthen a splice site. In summary, the currently available evidence indicates that the variant is pathogenic, but additional data are needed to prove that conclusively. Therefore, this variant has been classified as Likely Pathogenic.

Literature cited by the submitters: PubMed 20157015; PubMed 26561570.